The following is an entry in ClinVar:

ClinVar aggregate classification (germline): Benign/Likely benign. Review status: criteria provided, multiple submitters, no conflicts (2 of 4 stars). 8 submissions from 8 submitters: Benign (4); Likely benign (4). Last evaluated 2026-06-04.

Conditions:
Hypogonadotropic hypogonadism 3 with or without anosmia (HH3). Also called: PROKR2-Related GnRH Deficiency (Kallmann Syndrome 3); HYPOGONADOTROPIC HYPOGONADISM 3 WITH ANOSMIA. Identifiers: Orphanet 478, MedGen C3550478, MONDO:0009482, OMIM 244200.

Allele frequency attached by ClinVar (database versions not stated): TOPMed 0.01487; gnomAD exomes 0.00166 and 0.00391; ExAC 0.00468; 1000 Genomes Project 0.01258; gnomAD 0.01328 and 0.01447; 1000 Genomes Project 30x 0.01359; ESP Exome Variant Server 0.01469.

Submissions (8):

Women's Health and Genetics/Laboratory Corporation of America, LabCorp
Classification: Likely benign. Last evaluated: 2026-06-04. Review status: criteria provided, single submitter. Criteria: LabCorp Variant Classification Summary - May 2015. Collection method: clinical testing. Allele origin: germline.
Comment: Variant summary: PROKR2 c.802C>T (p.Arg268Cys) results in a non-conservative amino acid change in the encoded protein sequence. Algorithms developed to predict the effect of missense changes on protein structure and function are either unavailable or do not agree on the potential impact of this missense change. The variant allele was found at a frequency of 0.0039 in 251350 control chromosomes, predominantly at a frequency of 0.046 within the African or African-American subpopulation in the gnomAD database, including 17 homozygotes. The observed variant frequency within African or African-American control individuals in the gnomAD database exceeds the estimated maximal expected allele frequency for disease-causing variants in PROKR2. ClinVar contains an entry for this variant (Variation ID: 282345). Based on the evidence outlined above, the variant was classified as likely benign.

Labcorp Genetics (formerly Invitae), Labcorp
Classification: Benign. Last evaluated: 2026-01-26. Review status: criteria provided, single submitter. Criteria: Invitae Variant Classification Sherloc (09022015). Collection method: clinical testing. Allele origin: germline.

Blueprint Genetics
Classification: Likely benign. Last evaluated: 2024-11-20. Review status: criteria provided, single submitter. Criteria: ACMG Guidelines, 2015. Collection method: clinical testing. Allele origin: germline.

Athena Diagnostics
Classification: Benign. Last evaluated: 2018-03-02. Review status: criteria provided, single submitter. Criteria: Athena Diagnostics Criteria. Collection method: clinical testing. Allele origin: germline.

GeneDx
Classification: Benign. Last evaluated: 2017-06-12. Review status: criteria provided, single submitter. Criteria: GeneDx Variant Classification (06012015). Collection method: clinical testing. Allele origin: germline. Affected: yes.
Comment: This variant is considered likely benign or benign based on one or more of the following criteria: it is a conservative change, it occurs at a poorly conserved position in the protein, it is predicted to be benign by multiple in silico algorithms, and/or has population frequency not consistent with disease.

Illumina Laboratory Services, Illumina
Classification: Likely benign for Hypogonadotropic hypogonadism 3 with or without anosmia. Last evaluated: 2017-04-27. Review status: criteria provided, single submitter. Criteria: ICSL Variant Classification Criteria 13 December 2019. Collection method: clinical testing. Allele origin: germline.
Comment: This variant was observed as part of a predisposition screen in an ostensibly healthy population. A literature search was performed for the gene, cDNA change, and amino acid change (where applicable). Publications were found based on this search. The evidence from the literature, in combination with allele frequency data from public databases where available, was sufficient to determine this variant is unlikely to cause disease. Therefore, this variant is classified as likely benign.

Eurofins Ntd Llc (ga)
Classification: Benign. Last evaluated: 2015-09-15. Review status: criteria provided, single submitter. Criteria: EGL Classification Definitions 2015. Collection method: clinical testing. Allele origin: germline. Observed: 1 variant allele, 1 heterozygote.

Breakthrough Genomics
Classification: Likely benign. Review status: criteria provided, single submitter. Criteria: ACMG Guidelines, 2015. Collection method: not provided. Allele origin: germline. Inheritance: Autosomal dominant inheritance. Affected: yes.

Literature cited by the submitters: PubMed 17054399 (cited by Athena Diagnostics and Illumina Laboratory Services, Illumina); PubMed 20981092 (cited by Athena Diagnostics); PubMed 22995991 (cited by Athena Diagnostics and Illumina Laboratory Services, Illumina); PubMed 24276467 (cited by Athena Diagnostics); PubMed 23386640 (cited by Athena Diagnostics and Illumina Laboratory Services, Illumina); PubMed 18826963 (cited by Athena Diagnostics and Illumina Laboratory Services, Illumina); PubMed 22319038 (cited by Athena Diagnostics and Illumina Laboratory Services, Illumina); PubMed 21858136 (cited by Athena Diagnostics and Illumina Laboratory Services, Illumina); PubMed 24031091 (cited by Athena Diagnostics and Illumina Laboratory Services, Illumina); PubMed 24830383 (cited by Athena Diagnostics and Illumina Laboratory Services, Illumina); PubMed 23200691 (cited by Athena Diagnostics and Illumina Laboratory Services, Illumina); PubMed 20696889 (cited by Illumina Laboratory Services, Illumina); PubMed 18682503 (cited by Illumina Laboratory Services, Illumina); PubMed 22927827 (cited by Illumina Laboratory Services, Illumina).

NM_144773.4(PROKR2):c.802C>T (p.Arg268Cys)

Gene: PROKR2 (prokineticin receptor 2; minus strand). Cytogenetic location: 20p12.3.
Variant type: single nucleotide variant.
Coding change: c.802C>T on transcript NM_144773.4 (MANE Select); coding-DNA position 802, C replaced by T.
Protein change: p.Arg268Cys; replaces arginine 268 with cysteine.
Molecular consequence: missense variant.
Genome position (GRCh38, 1-based): chr20:5,302,393, G>A on the plus strand (C>T on the coding strand, the complement: PROKR2 is on the minus strand). VCF-style: chr20-5302393-G-A. GRCh37 (hg19) VCF-style: chr20-5283039-G-A.
Other names: short protein forms R268C.
Identifiers: ClinVar variation 282345 (VCV000282345.22), dbSNP rs78861628, ClinGen allele CA9754278.